The following is an entry in ClinVar:

NM_001308210.2(TSHZ1):c.2814C>T (p.Thr938=)

Gene: TSHZ1 (teashirt zinc finger homeobox 1; plus strand). Cytogenetic location: 18q22.3.
Variant type: single nucleotide variant.
Coding change: c.2814C>T on transcript NM_001308210.2 (MANE Select); coding-DNA position 2814, C replaced by T.
Protein change: p.Thr938=; no amino-acid change (threonine 938 retained).
Molecular consequence: synonymous variant.
Genome position (GRCh38, 1-based): chr18:75,288,221, C>T. VCF-style: chr18-75288221-C-T. GRCh37 (hg19) VCF-style: chr18-73000176-C-T.
Other names: c.2679C>T, p.Thr893= (NM_005786.6).
Identifiers: ClinVar variation 768943 (VCV000768943.6), dbSNP rs114642426, ClinGen allele CA9002370.

ClinVar aggregate classification (germline): Benign/Likely benign. Review status: criteria provided, multiple submitters, no conflicts (2 of 4 stars). 3 submissions from 3 submitters: Benign (1); Likely benign (1). 1 of the submissions does not count toward it. Last evaluated 2024-11-27.

Conditions:
TSHZ1-related disorder. Also called: TSHZ1-related condition.

Allele frequency attached by ClinVar (database versions not stated): gnomAD exomes 0.00011 and 0.00028; ExAC 0.00036; 1000 Genomes Project 30x 0.00094; gnomAD 0.00112 and 0.00117; ESP Exome Variant Server 0.00115; 1000 Genomes Project 0.00120; TOPMed 0.00128.
gnomAD v4.1: 331 of 1,614,232 alleles (0.021%); highest among the groups gnomAD compares: African/African-American, 0.41%; no homozygotes.

Submissions (3):

Blueprint Genetics
Classification: Likely benign. Last evaluated: 2024-11-27. Review status: criteria provided, single submitter. Criteria: ACMG Guidelines, 2015. Collection method: clinical testing. Allele origin: germline.

Labcorp Genetics (formerly Invitae), Labcorp
Classification: Benign. Last evaluated: 2017-05-08. Review status: criteria provided, single submitter. Criteria: Invitae Variant Classification Sherloc (09022015). Collection method: clinical testing. Allele origin: germline.

PreventionGenetics, part of Exact Sciences
Classification: Benign for TSHZ1-related condition. Last evaluated: 2019-09-24. Review status: no assertion criteria provided. Collection method: clinical testing. Allele origin: germline. Not counted in ClinVar's aggregate classification.
Comment: This variant is classified as benign based on ACMG/AMP sequence variant interpretation guidelines (Richards et al. 2015 PMID: 25741868, with internal and published modifications).